The following is an entry in ClinVar:

ClinVar aggregate classification (germline): Conflicting classifications of pathogenicity. Review status: criteria provided, conflicting classifications (1 of 4 stars). 2 submissions from 2 submitters: Uncertain significance (1); Likely benign (1). Last evaluated 2024-12-01.

Conditions:
Inborn genetic diseases. Identifiers: MedGen C0950123, MeSH D030342.

Allele frequency attached by ClinVar (database versions not stated): ExAC 0.00002; gnomAD exomes 0.00003 and 0.00005; TOPMed 0.00004.
gnomAD v4.1: 15 of 1,614,202 alleles (0.00093%); highest among the groups gnomAD compares: Admixed American, 0.025%; no homozygotes.

Submissions (2):

Ambry Genetics
Classification: Likely benign for Inborn genetic diseases. Last evaluated: 2024-12-01. Review status: criteria provided, single submitter. Criteria: Ambry Variant Classification Scheme 2023. Collection method: clinical testing. Allele origin: germline.

Labcorp Genetics (formerly Invitae), Labcorp
Classification: Uncertain significance. Last evaluated: 2024-11-11. Review status: criteria provided, single submitter. Criteria: Invitae Variant Classification Sherloc (09022015). Collection method: clinical testing. Allele origin: germline.
Comment: This sequence change replaces glycine, which is neutral and non-polar, with serine, which is neutral and polar, at codon 1466 of the ASXL1 protein (p.Gly1466Ser). This variant is present in population databases (rs763081912, gnomAD 0.04%), and has an allele count higher than expected for a pathogenic variant. This variant has not been reported in the literature in individuals affected with ASXL1-related conditions. ClinVar contains an entry for this variant (Variation ID: 1505279). An algorithm developed to predict the effect of missense changes on protein structure and function outputs the following: PolyPhen-2: "Benign". The serine amino acid residue is found in multiple mammalian species, which suggests that this missense change does not adversely affect protein function. In summary, the available evidence is currently insufficient to determine the role of this variant in disease. Therefore, it has been classified as a Variant of Uncertain Significance.

NM_015338.6(ASXL1):c.4396G>A (p.Gly1466Ser)

Gene: ASXL1 (ASXL transcriptional regulator 1; plus strand). Cytogenetic location: 20q11.21.
Variant type: single nucleotide variant.
Coding change: c.4396G>A on transcript NM_015338.6 (MANE Select); coding-DNA position 4396, G replaced by A.
Protein change: p.Gly1466Ser; replaces glycine 1466 with serine.
Molecular consequence: missense variant.
Genome position (GRCh38, 1-based): chr20:32,437,108, G>A. VCF-style: chr20-32437108-G-A. GRCh37 (hg19) VCF-style: chr20-31024911-G-A.
Other names: c.4396G>A (NM_015338.5); c.4213G>A, p.Gly1405Ser (NM_001363734.1); short protein forms G1405S, G1466S.
Identifiers: ClinVar variation 1505279 (VCV001505279.10), dbSNP rs763081912, ClinGen allele CA9809019.